The following continues an entry in ClinVar:

NM_007294.4(BRCA1):c.5348T>C (p.Met1783Thr)

Gene: BRCA1. ClinVar aggregate classification (germline): Conflicting classifications of pathogenicity. Uncertain significance (3); Benign (3); Likely benign (10).

Submission 21 of 21:

Department of Pathology and Laboratory Medicine, Sinai Health System
Classification: Likely benign for Malignant tumor of breast. Review status: no assertion criteria provided. Collection method: clinical testing. Allele origin: unknown. Affected: yes. Study: The Canadian Open Genetics Repository (COGR). Not counted in ClinVar's aggregate classification.
Comment: The BRCA1 p.Met1783Thr variant was identified in 2 of 838 proband chromosomes (frequency: 0.002) from individuals or families with breast or ovarian cancer and was not identified in 192 control chromosomes from healthy individuals (McKean-Cowdin 2005, Silva 2014). The variant was also identified in dbSNP (ID: rs55808233) as "With other allele", ClinVar (classified as benign by Invitae, Ambry Genetics, and two other submitters; as likely benign by GeneDx, Color, and two other submitters; and as uncertain significance by five submitters), LOVD 3.0 (15x), and UMD-LSDB (2x as likely neutral). In UMD, the variant was reported with a co-occurring, pathogenic BRCA1 variants c.755_761del (p.Arg252LeufsX44) and c.-200_80del (p.Met1SerfsX13), increasing the likelihood that the p.Met1783Thr variant does not have clinical significance. The variant was identified in control databases in 45 of 277188 chromosomes at a frequency of 0.0002 (Genome Aggregation Database Feb 27, 2017). The variant was observed in the following populations: African in 41 of 24028 chromosomes (freq: 0.002, increasing the likelihood this could be a low frequency benign variant), Other in 2 of 6462 chromosomes (freq: 0.0003), and Latino in 2 of 34420 chromosomes (freq: 0.00006), while it was not observed in the European, Ashkenazi Jewish, East Asian, Finnish, or South Asian populations. Although the p.Met1783 residue is not conserved in mammals and other organisms, computational analyses (PolyPhen-2, SIFT, AlignGVGD, BLOSUM, MutationTaster) suggest that the M variant may impact the protein. The variant occurs outside of the splicing consensus sequence and in silico or computational prediction software programs (SpliceSiteFinder, MaxEntScan, NNSPLICE, GeneSplicer) do not predict a difference in splicing. There are conflicting results in the literature regarding the effect of this variant on the BRCA1 protein, specifically within the BRCT domain where this variant is located. Functional studies demonstrated that the variant may be moderately destabilizing to the protein folding (Drikos 2009, Glover 2006, Williams 2003, Rowling 2010) but that protein binding capabilities of the mutant protein were similar to the wild type (Drikos 2009, Glover 2006) and that the mutant protein retains between 50-70% DNA repair activity relative to the wild type (Gaboriau 2015, Lu 2015). In summary, based on the above information, the clinical significance of this variant cannot be determined with certainty at this time although we would lean towards a more benign role for this variant. This variant is classified as likely benign.

Literature cited by the submitters: PubMed 36329109 (cited by Genetics Program, Instituto Nacional de Cancer); PubMed 30209399 (cited by Genetics Program, Instituto Nacional de Cancer); PubMed 26689913 (cited by Genetics Program, Instituto Nacional de Cancer and Women's Health and Genetics/Laboratory Corporation of America, LabCorp); PubMed 22034289 (cited by Women's Health and Genetics/Laboratory Corporation of America, LabCorp); PubMed 25748678 (cited by Women's Health and Genetics/Laboratory Corporation of America, LabCorp); PubMed 26287763 (cited by Women's Health and Genetics/Laboratory Corporation of America, LabCorp); PubMed 25782689 (cited by Women's Health and Genetics/Laboratory Corporation of America, LabCorp); PubMed 21447777 (cited by Women's Health and Genetics/Laboratory Corporation of America, LabCorp); PubMed 14534301 (cited by Women's Health and Genetics/Laboratory Corporation of America, LabCorp); PubMed 24884479 (cited by Women's Health and Genetics/Laboratory Corporation of America, LabCorp); PubMed 20516115 (cited by Women's Health and Genetics/Laboratory Corporation of America, LabCorp); PubMed 20378548 (cited by Women's Health and Genetics/Laboratory Corporation of America, LabCorp); PubMed 16267036 (cited by Women's Health and Genetics/Laboratory Corporation of America, LabCorp); PubMed 15235020 (cited by Women's Health and Genetics/Laboratory Corporation of America, LabCorp); PubMed 19452558 (cited by Women's Health and Genetics/Laboratory Corporation of America, LabCorp); PubMed 15726418 (cited by Women's Health and Genetics/Laboratory Corporation of America, LabCorp and Pathway Genomics); PubMed 22516946 (cited by Women's Health and Genetics/Laboratory Corporation of America, LabCorp); PubMed 18284688 (cited by Pathway Genomics); PubMed 23469205 (cited by Clinical and Functional Genomics Group, A.C.Camargo Cancer Center).